The following is an entry in ClinVar:

NM_000284.4(PDHA1):c.1033_1078dup (p.Pro360delinsArgAspTer)

Gene: PDHA1 (pyruvate dehydrogenase E1 subunit alpha 1; plus strand). Cytogenetic location: Xp22.12.
Variant type: Duplication.
Coding change: c.1033_1078dup on transcript NM_000284.4 (MANE Select); coding-DNA positions 1033 to 1078, 46 bases duplicated.
Protein change: p.Pro360delinsArgAspTer.
Molecular consequence: nonsense.
Genome position (GRCh38, 1-based): chrX:19,359,513-19,359,558, 46 bases duplicated. GRCh37 (hg19): chrX:19,377,631-19,377,676.
Other names: c.1147_1192dup, p.Pro398delinsArgAspTer (NM_001173454.2); c.1054_1099dup, p.Pro367delinsArgAspTer (NM_001173455.2); c.940_985dup, p.Pro329delinsArgAspTer (NM_001173456.2).
Identifiers: ClinVar variation 4070428 (VCV004070428.1).

ClinVar aggregate classification (germline): Pathogenic (0 of 4 stars; one submission).

Conditions:
Pyruvate dehydrogenase E1-alpha deficiency (PDHAD). Also called: ATAXIA, INTERMITTENT, WITH PYRUVATE DEHYDROGENASE DEFICIENCY; ATAXIA WITH LACTIC ACIDOSIS I; ATAXIA, INTERMITTENT, WITH ABNORMAL PYRUVATE METABOLISM; Ataxia, intermittent, with pyruvate dehydrogenase, or decarboxylase, deficiency. Identifiers: Orphanet 79243, MedGen C1839413, MONDO:0010717, OMIM 312170.

Submission:

PDHA1 Study Group, University Children’s Hospital, Paracelsus Medical University
Classification: Pathogenic for Pyruvate dehydrogenase E1-alpha deficiency. Last evaluated: 2024-10-15. Review status: no assertion criteria provided. Collection method: research. Allele origin: germline. Affected: yes. Observed: 1 variant allele.
Comment: The NM_000284.3:c.1033_1078dup (p.Pro360ArgfsTer3) change is a frameshift variant in PDHA1 gene. This variant is predicted to escape nonsense-mediated decay (NMD). The variant has been reported in 1 published case (PMIDs: 7887409). Last literature search: July 12, 2024. This variant is absent or extremely rare in population-based cohorts in the Genome Aggregation Database (gnomAD). Individuals harboring this variant presented with clinical features compatible with PDHA1-related PDHc deficiency. In summary, this variant meets criteria to be classified as pathogenic (P) for PDHA1-related PDHc deficiency based on the ACMG/AMP criteria applied: PVS1, PM2 (last assessment October 15, 2024).

Literature cited by the submitters: PubMed 7887409; DOI 10.1093/brain/awaf430.